The following is an entry in ClinVar:

NM_000329.3(RPE65):c.1399C>T (p.Pro467Ser)

Gene: RPE65 (retinoid isomerohydrolase RPE65; minus strand). Cytogenetic location: 1p31.3.
Variant type: single nucleotide variant.
Coding change: c.1399C>T on transcript NM_000329.3 (MANE Select); coding-DNA position 1399, C replaced by T.
Protein change: p.Pro467Ser; replaces proline 467 with serine.
Molecular consequence: missense variant.
Genome position (GRCh38, 1-based): chr1:68,431,116, G>A on the plus strand (C>T on the coding strand, the complement: RPE65 is on the minus strand). VCF-style: chr1-68431116-G-A. GRCh37 (hg19) VCF-style: chr1-68896799-G-A.
Other names: NM_000329.3(RPE65):c.1399C>T; p.Pro467Ser; short protein forms P467S.
Identifiers: ClinVar variation 560496 (VCV000560496.11), dbSNP rs1395763356, ClinGen allele CA340741969.

ClinVar aggregate classification (germline): Pathogenic. Review status: reviewed by expert panel (3 of 4 stars). 4 submissions from 4 submitters: Pathogenic (1). 3 of the submissions do not count toward it. Last evaluated 2024-12-12.

Conditions:
Leber congenital amaurosis (LCA). Also called: Leber's amaurosis. Identifiers: Orphanet 65, MedGen C0339527, MeSH D057130, MONDO:0018998.
Leber congenital amaurosis 2 (LCA2). Also called: Autosomal Recessive RPE65-Related Retinal Degeneration; AMAUROSIS CONGENITA OF LEBER II. Identifiers: Orphanet 65, MedGen C1859844, MONDO:0008765, OMIM 204100. Disease mechanism: loss of function.
Retinitis pigmentosa 20 (RP20). Identifiers: Orphanet 791, MedGen C3151086, MONDO:0013425, OMIM 613794.
RPE65-related recessive retinopathy. Also called: Recessive RPE65 retinopathy. Identifiers: MedGen CN305526, MONDO:0100368.

Submissions (4):

ClinGen Leber Congenital Amaurosis/early Onset Retinal Dystrophy Variant Curation Expert Panel, ClinGen
Classification: Pathogenic for RPE65-related recessive retinopathy. Last evaluated: 2024-12-12. Review status: reviewed by expert panel. Criteria: ClinGen LCAeoRD ACMG Specifications RPE65 V1.0.0. Collection method: curation. Allele origin: germline. Inheritance: Autosomal recessive inheritance.
Comment: The NM_000329.3(RPE65):c.1399C>T (p.Pro467Ser) is predicted to replace the proline at position 467 with serine. The computational predictor REVEL gives a score of 0.929, which is above the ClinGen LCA/eoRD VCEP threshold of ≥ 0.773 and predicts a damaging effect on RPE65 function (PP3_Moderate). Another missense variant in the same codon (p.Pro467Ala) has been classified as pathogenic for RPE65-related recessive retinopathy by the ClinGen LCA/eoRD VCEP. Splicing prediction using SpliceAI did not strongly predict an effect on splicing due to either of these variants (PM5). This variant is absent from gnomAD v4.1.0 (PM2_Supporting) and exhibited 0% enzymatic activity in a retinoid isomerase assay relative to the wild-type control, which is lower than the ClinGen LCA/eoRD PS3_Supporting threshold of <10% activity, indicating that it triggers a severe defect in protein function (PS3_Supporting, PMID: 31580392). This variant has been reported in at least 1 proband with early-onset severe retinal dystrophy who was compound heterozygous with the c.11+5G>A variant confirmed in trans (1 point, PMID: 31580392), which was previously classified pathogenic by the ClinGen LCA/eoRD VCEP. A second patient with eoSRD was reported as compound heterozygous with the p.Tyr239Asp variant, previously classified as pathogenic by the LCA/eoRD VCEP, but with no confirmation of phase (0.5 pts, PMID:28224992) (1.5 total points, PM3). At least one proband harboring this variant exhibits a phenotype including poor visual behavior and low-light visual impairment (0.5 pts) beginning in infancy (1 pt) and received a clinical diagnosis of LCA (0.5 pts) at 18 months. No detectable rod (.5 pts) or cone (1 pt) ERG response. The best-corrected visual acuity was 20/150 OU (1 pt), visual field was reduced (1 pt). Subtle whitish pigmentary mottling was observed (0.5 pts) in the retinal periphery of both eyes. OCT of the macula showed attenuation of the ellipsoid zone band (0.5 pts). Together these are specific for RPE65-related recessive retinopathy (total 8.5 points, PMID: 31580392, PP4_Moderate). In summary, this variant meets the criteria to be classified as Pathogenic for GUCY2D-related recessive retinopathy based on the ACMG/AMP criteria applied, as specified by the ClinGen LCA/eoRD VCEP: PP3_moderate, PP4_moderate, PM3, PM5, PM2_Supporting, PS3. (VCEP specifications version 1.0.0; date of approval 09/21/2023).

Women's Health and Genetics/Laboratory Corporation of America, LabCorp
Classification: Pathogenic for Leber congenital amaurosis. Last evaluated: 2024-07-02. Review status: criteria provided, single submitter. Criteria: LabCorp Variant Classification Summary - May 2015. Collection method: clinical testing. Allele origin: germline. Not counted in ClinVar's aggregate classification.
Comment: Variant summary: RPE65 c.1399C>T (p.Pro467Ser) results in a non-conservative amino acid change in the encoded protein sequence. Five of five in-silico tools predict a damaging effect of the variant on protein function. The variant was absent in 250854 control chromosomes. c.1399C>T has been reported in the literature in the compound heterozygous state in individuals affected with Leber Congenital Amaurosis (e.g. Haer-Wigman_2017, Yang_2019). These data indicate that the variant may be associated with disease. At least one in vitro study in HEK293 cells showed that this variant resulted in absent catalytic activity (e.g. Yang_2019). Another missense variant affecting this amino acid (p.Pro467Ala CV ID 1069898) has been determined to be pathogenic, supporting the critical relevance of codon 457 to RPE65 protein function. The following publications have been ascertained in the context of this evaluation (PMID: 28224992, 31580392). ClinVar contains an entry for this variant (Variation ID: 560496). Based on the evidence outlined above, the variant was classified as pathogenic.

Labcorp Genetics (formerly Invitae), Labcorp
Classification: Likely pathogenic for Leber congenital amaurosis 2; Retinitis pigmentosa 20. Last evaluated: 2021-06-04. Review status: criteria provided, single submitter. Criteria: Invitae Variant Classification Sherloc (09022015). Collection method: clinical testing. Allele origin: germline. Not counted in ClinVar's aggregate classification.
Comment: This sequence change replaces proline with serine at codon 467 of the RPE65 protein (p.Pro467Ser). The proline residue is highly conserved and there is a moderate physicochemical difference between proline and serine. This variant is not present in population databases (ExAC no frequency). This variant has not been reported in the literature in individuals with RPE65-related conditions. ClinVar contains an entry for this variant (Variation ID: 560496). Advanced modeling of protein sequence and biophysical properties (such as structural, functional, and spatial information, amino acid conservation, physicochemical variation, residue mobility, and thermodynamic stability) performed at Invitae indicates that this missense variant is expected to disrupt RPE65 protein function. This variant disrupts the p.Pro467 amino acid residue in RPE65. Other variant(s) that disrupt this residue have been determined to be pathogenic (PMID: 30996589, 31273949). This suggests that this residue is clinically significant, and that variants that disrupt this residue are likely to be disease-causing. In summary, the currently available evidence indicates that the variant is pathogenic, but additional data are needed to prove that conclusively. Therefore, this variant has been classified as Likely Pathogenic.

Joint Genome Diagnostic Labs from Nijmegen and Maastricht, Radboudumc and MUMC+
Classification: Uncertain significance for Leber congenital amaurosis 2. Last evaluated: 2016-09-01. Review status: no assertion criteria provided. Collection method: clinical testing. Allele origin: unknown. Affected: yes. Observed: 1 variant allele. Not counted in ClinVar's aggregate classification.

Literature cited by the submitters: PubMed 28224992 (cited by Women's Health and Genetics/Laboratory Corporation of America, LabCorp); PubMed 31580392 (cited by Women's Health and Genetics/Laboratory Corporation of America, LabCorp); PubMed 30996589 (cited by Labcorp Genetics (formerly Invitae), Labcorp); PubMed 31273949 (cited by Labcorp Genetics (formerly Invitae), Labcorp).